The following is an entry in ClinVar:

ClinVar aggregate classification (germline): Uncertain significance (1 of 4 stars; one submission).

gnomAD v4.1: 2 of 1,613,844 alleles (0.00012%); highest among the groups gnomAD compares: South Asian, 0.0011%; no homozygotes.

Submission:

Ambry Genetics
Classification: Uncertain significance. Last evaluated: 2020-10-09. Review status: criteria provided, single submitter. Criteria: Ambry Variant Classification Scheme 2023. Collection method: clinical testing. Allele origin: germline.
Comment: The p.P301A variant (also known as c.901C>G), located in coding exon 4 of the GALNT12 gene, results from a C to G substitution at nucleotide position 901. The proline at codon 301 is replaced by alanine, an amino acid with highly similar properties. This amino acid position is not well conserved in available vertebrate species. In addition, this alteration is predicted to be tolerated by in silico analysis. Since supporting evidence is limited at this time, the clinical significance of this alteration remains unclear.

NM_024642.5(GALNT12):c.901C>G (p.Pro301Ala)

Gene: GALNT12 (polypeptide N-acetylgalactosaminyltransferase 12; plus strand). Cytogenetic location: 9q22.33.
Variant type: single nucleotide variant.
Coding change: c.901C>G on transcript NM_024642.5 (MANE Select); coding-DNA position 901, C replaced by G.
Protein change: p.Pro301Ala; replaces proline 301 with alanine.
Molecular consequence: missense variant.
Genome position (GRCh38, 1-based): chr9:98,831,941, C>G. VCF-style: chr9-98831941-C-G. GRCh37 (hg19) VCF-style: chr9-101594223-C-G.
Other names: short protein forms P301A.
Identifiers: ClinVar variation 1765494 (VCV001765494.2), dbSNP rs973765987, ClinGen allele CA374218382.
Genomic context (GRCh38, chr9:98,831,941, plus strand): 5'-TGGAGGCTGGTGTTCACGTGGCACACAGTTCCTGAGAGGGAGAGGATACGGATGCAATCC[C>G]CCGTCGATGTCATCAGGTCAGGAGCTGACTTCTGGGTGACTTGTTTTTTAAGCATGCCTC-3'
Protein context (NP_078918.3, residues 291-311): PERERIRMQS[Pro301Ala]VDVIRSPTMA